The following is an entry in ClinVar:

ClinVar aggregate classification (germline): Uncertain significance. Review status: criteria provided, multiple submitters, no conflicts (2 of 4 stars). 2 submissions from 2 submitters: Uncertain significance (2). Last evaluated 2024-08-16.

Conditions:
Hypertrophic cardiomyopathy. Also called: HYPERTROPHIC MYOCARDIOPATHY. Identifiers: Orphanet 217569, MedGen C0007194, MeSH D002312, MONDO:0005045, HP:0001639.

Submissions (2):

GeneDx
Classification: Uncertain significance. Last evaluated: 2024-08-16. Review status: criteria provided, single submitter. Criteria: GeneDx Variant Classification Process June 2021. Collection method: clinical testing. Allele origin: germline. Affected: yes.
Comment: Not observed at significant frequency in large population cohorts (gnomAD); In silico analysis supports that this missense variant has a deleterious effect on protein structure/function; Has not been previously published as pathogenic or benign to our knowledge

Labcorp Genetics (formerly Invitae), Labcorp
Classification: Uncertain significance for Hypertrophic cardiomyopathy. Last evaluated: 2022-10-13. Review status: criteria provided, single submitter. Criteria: Invitae Variant Classification Sherloc (09022015). Collection method: clinical testing. Allele origin: germline.
Comment: This sequence change replaces serine, which is neutral and polar, with phenylalanine, which is neutral and non-polar, at codon 179 of the MYL3 protein (p.Ser179Phe). This variant is not present in population databases (gnomAD no frequency). This variant has not been reported in the literature in individuals affected with MYL3-related conditions. ClinVar contains an entry for this variant (Variation ID: 1368928). Algorithms developed to predict the effect of missense changes on protein structure and function are either unavailable or do not agree on the potential impact of this missense change (SIFT: "Deleterious"; PolyPhen-2: "Possibly Damaging"; Align-GVGD: "Class C0"). In summary, the available evidence is currently insufficient to determine the role of this variant in disease. Therefore, it has been classified as a Variant of Uncertain Significance.

NM_000258.3(MYL3):c.536C>T (p.Ser179Phe)

Gene: MYL3 (myosin light chain 3; minus strand). Cytogenetic location: 3p21.31.
Variant type: single nucleotide variant.
Coding change: c.536C>T on transcript NM_000258.3 (MANE Select); coding-DNA position 536, C replaced by T.
Protein change: p.Ser179Phe; replaces serine 179 with phenylalanine.
Molecular consequence: missense variant.
Genome position (GRCh38, 1-based): chr3:46,858,407, G>A on the plus strand (C>T on the coding strand, the complement: MYL3 is on the minus strand). VCF-style: chr3-46858407-G-A. GRCh37 (hg19) VCF-style: chr3-46899897-G-A.
Other names: c.536C>T (NM_000258.2); short protein forms S179F.
Identifiers: ClinVar variation 1368928 (VCV001368928.9), dbSNP rs1701955175, ClinGen allele CA352495361.